The following is an entry in ClinVar:

NM_001365999.1(SZT2):c.5284C>T (p.Arg1762Cys)

Gene: SZT2 (SZT2 subunit of KICSTOR complex; plus strand). Cytogenetic location: 1p34.2.
Variant type: single nucleotide variant.
Coding change: c.5284C>T on transcript NM_001365999.1 (MANE Select); coding-DNA position 5284, C replaced by T.
Protein change: p.Arg1762Cys; replaces arginine 1762 with cysteine.
Molecular consequence: missense variant.
Genome position (GRCh38, 1-based): chr1:43,432,281, C>T. VCF-style: chr1-43432281-C-T. GRCh37 (hg19) VCF-style: chr1-43897952-C-T.
Other names: c.5113C>T, p.Arg1705Cys (NM_015284.4); short protein forms R1705C, R1762C.
Identifiers: ClinVar variation 590052 (VCV000590052.13), dbSNP rs141456660, ClinGen allele CA809538.
Genomic context (GRCh38, chr1:43,432,281, plus strand): 5'-TGTAGGGAGGACTGCCCTGCCTAAACTGTGATCTTGGCTCCTGCTCTCTAGGAGTTCCGC[C>T]GCCTCCATCTCCCTGGCCATGTTCTTCTTGAAGACCCTGACAGTGGCTTCTTCTTTGTGG-3'
Protein context (NP_001352928.1, residues 1752-1772): SLTQFKEEFR[Arg1762Cys]LHLPGHVLLE

ClinVar aggregate classification (germline): Uncertain significance. Review status: criteria provided, multiple submitters, no conflicts (2 of 4 stars). 3 submissions from 3 submitters: Uncertain significance (3). Last evaluated 2023-04-11.

Conditions:
Developmental and epileptic encephalopathy, 18 (DEE18). Also called: Early infantile epileptic encephalopathy 18. Identifiers: Orphanet 369894, MedGen C3809624, MONDO:0014201, OMIM 615476.
Inborn genetic diseases. Identifiers: MedGen C0950123, MeSH D030342.

Allele frequency attached by ClinVar (database versions not stated): gnomAD exomes 0.00001 and 0.00003; gnomAD 0.00002; TOPMed 0.00002; ExAC 0.00003; ESP Exome Variant Server 0.00008.
gnomAD v4.1: 26 of 1,555,650 alleles (0.0017%); highest among the groups gnomAD compares: Middle Eastern, 0.017%; no homozygotes.

Submissions (3):

Genome-Nilou Lab
Classification: Uncertain significance for Developmental and epileptic encephalopathy, 18. Last evaluated: 2023-04-11. Review status: criteria provided, single submitter. Criteria: ACMG Guidelines, 2015. Collection method: clinical testing. Allele origin: germline. Affected: no.

Labcorp Genetics (formerly Invitae), Labcorp
Classification: Uncertain significance. Last evaluated: 2022-03-19. Review status: criteria provided, single submitter. Criteria: Invitae Variant Classification Sherloc (09022015). Collection method: clinical testing. Allele origin: germline.
Comment: This sequence change replaces arginine, which is basic and polar, with cysteine, which is neutral and slightly polar, at codon 1705 of the SZT2 protein (p.Arg1705Cys). This variant is present in population databases (rs141456660, gnomAD 0.01%). This variant has not been reported in the literature in individuals affected with SZT2-related conditions. ClinVar contains an entry for this variant (Variation ID: 590052). Algorithms developed to predict the effect of missense changes on protein structure and function output the following: SIFT: "Tolerated"; PolyPhen-2: "Possibly Damaging"; Align-GVGD: "Class C0". The cysteine amino acid residue is found in multiple mammalian species, which suggests that this missense change does not adversely affect protein function. In summary, the available evidence is currently insufficient to determine the role of this variant in disease. Therefore, it has been classified as a Variant of Uncertain Significance.

Ambry Genetics
Classification: Uncertain significance for Inborn genetic diseases. Last evaluated: 2017-02-16. Review status: criteria provided, single submitter. Criteria: Ambry Variant Classification Scheme 2023. Collection method: clinical testing. Allele origin: germline.
Comment: The p.R1705C variant (also known as c.5113C>T), located in coding exon 36 of the SZT2 gene, results from a C to T substitution at nucleotide position 5113. The arginine at codon 1705 is replaced by cysteine, an amino acid with highly dissimilar properties. This amino acid position is not well conserved in available vertebrate species. In addition, this alteration is predicted to be tolerated by in silico analysis. Since supporting evidence is limited at this time, the clinical significance of this alteration remains unclear.